The following is an entry in ClinVar:

ClinVar aggregate classification (germline): Uncertain significance (1 of 4 stars; one submission).

Conditions:
Osteogenesis imperfecta type 8 (OI8). Identifiers: MedGen C1970458, MONDO:0012581, OMIM 610915.

Allele frequency attached by ClinVar (database versions not stated): ExAC 0.00002; gnomAD 0.00002 and 0.00003; gnomAD exomes 0.00002 and 0.00003; TOPMed 0.00003.
gnomAD v4.1: 34 of 1,577,294 alleles (0.0022%); highest among the groups gnomAD compares: Middle Eastern, 0.017%; no homozygotes.

Submission:

Labcorp Genetics (formerly Invitae), Labcorp
Classification: Uncertain significance for Osteogenesis imperfecta type 8. Last evaluated: 2022-04-16. Review status: criteria provided, single submitter. Criteria: Invitae Variant Classification Sherloc (09022015). Collection method: clinical testing. Allele origin: germline.
Comment: This sequence change replaces phenylalanine, which is neutral and non-polar, with cysteine, which is neutral and slightly polar, at codon 109 of the P3H1 protein (p.Phe109Cys). This variant is present in population databases (rs761389160, gnomAD 0.007%). This variant has not been reported in the literature in individuals affected with P3H1-related conditions. ClinVar contains an entry for this variant (Variation ID: 468982). Algorithms developed to predict the effect of missense changes on protein structure and function are either unavailable or do not agree on the potential impact of this missense change (SIFT: "Deleterious"; PolyPhen-2: "Probably Damaging"; Align-GVGD: "Class C0"). In summary, the available evidence is currently insufficient to determine the role of this variant in disease. Therefore, it has been classified as a Variant of Uncertain Significance.

NM_022356.4(P3H1):c.326T>G (p.Phe109Cys)

Gene: P3H1 (prolyl 3-hydroxylase 1; minus strand). Cytogenetic location: 1p34.2.
Variant type: single nucleotide variant.
Coding change: c.326T>G on transcript NM_022356.4 (MANE Select); coding-DNA position 326, T replaced by G.
Protein change: p.Phe109Cys; replaces phenylalanine 109 with cysteine.
Molecular consequence: missense variant.
Genome position (GRCh38, 1-based): chr1:42,766,646, A>C on the plus strand (T>G on the coding strand, the complement: P3H1 is on the minus strand). VCF-style: chr1-42766646-A-C. GRCh37 (hg19) VCF-style: chr1-43232317-A-C.
Other names: c.326T>G, p.Phe109Cys (NM_001146289.2, NM_001243246.2); short protein forms F109C.
Identifiers: ClinVar variation 468982 (VCV000468982.8), dbSNP rs761389160, ClinGen allele CA802205.
Genomic context (GRCh38, chr1:42,766,646, plus strand): 5'-GCGGCCGGCGGCCCGAGGCAGCGGCGCAGGCAGGCAGCGCGACGCAGAAGGCCCCCGAAG[A>C]AGCTCAGGTCGCGCAGGGCGGCGGCGCCCGAGGCCTGGGCCGGGCTGGGGGACCAGTCGG-3'
Protein context (NP_071751.3, residues 99-119): SGAAALRDLS[Phe109Cys]FGGLLRRAAC